The following is an entry in ClinVar:

NM_000152.5(GAA):c.1628A>G (p.Tyr543Cys)

Gene: GAA (alpha glucosidase; plus strand). Cytogenetic location: 17q25.3.
Variant type: single nucleotide variant.
Coding change: c.1628A>G on transcript NM_000152.5 (MANE Select); coding-DNA position 1628, A replaced by G.
Protein change: p.Tyr543Cys; replaces tyrosine 543 with cysteine.
Molecular consequence: missense variant.
Genome position (GRCh38, 1-based): chr17:80,111,017, A>G. VCF-style: chr17-80111017-A-G. GRCh37 (hg19) VCF-style: chr17-78084816-A-G.
Other names: c.1628A>G, p.Tyr543Cys (NM_001079803.3, NM_001079804.3); short protein forms Y543C.
Identifiers: ClinVar variation 1412665 (VCV001412665.3), dbSNP rs1160583761, ClinGen allele CA401367360.

ClinVar aggregate classification (germline): Uncertain significance (1 of 4 stars; one submission).

Conditions:
Glycogen storage disease, type II (IOPD). Also called: Glucosidase acid-1,4-alpha deficiency; POMPE DISEASE, INFANTILE-ONSET; GLYCOGEN STORAGE DISEASE II, INFANTILE-ONSET; ACID ALPHA-GLUCOSIDASE DEFICIENCY, INFANTILE-ONSET; GAA DEFICIENCY, INFANTILE-ONSET; ACID MALTASE DEFICIENCY, INFANTILE-ONSET. Identifiers: Orphanet 365, MedGen C0017921, MONDO:0009290, OMIM 232300.

Allele frequency attached by ClinVar (database versions not stated): gnomAD exomes below 0.00001.
gnomAD v4.1: 5 of 1,613,722 alleles (0.00031%); highest among the groups gnomAD compares: African/African-American, 0.0013%; no homozygotes.

Submission:

Labcorp Genetics (formerly Invitae), Labcorp
Classification: Uncertain significance for Glycogen storage disease, type II. Last evaluated: 2021-08-31. Review status: criteria provided, single submitter. Criteria: Invitae Variant Classification Sherloc (09022015). Collection method: clinical testing. Allele origin: germline.
Comment: This sequence change replaces tyrosine with cysteine at codon 543 of the GAA protein (p.Tyr543Cys). The tyrosine residue is highly conserved and there is a large physicochemical difference between tyrosine and cysteine. This variant is not present in population databases (ExAC no frequency). This variant has not been reported in the literature in individuals affected with GAA-related conditions. Advanced modeling of protein sequence and biophysical properties (such as structural, functional, and spatial information, amino acid conservation, physicochemical variation, residue mobility, and thermodynamic stability) performed at Invitae indicates that this missense variant is expected to disrupt GAA protein function. In summary, the available evidence is currently insufficient to determine the role of this variant in disease. Therefore, it has been classified as a Variant of Uncertain Significance.